The following is an entry in ClinVar:

ClinVar aggregate classification (germline): Uncertain significance. Review status: criteria provided, multiple submitters, no conflicts (2 of 4 stars). 6 submissions from 5 submitters: Uncertain significance (6). Last evaluated 2024-10-14.

Conditions:
Ectopia lentis et pupillae. Also called: ECTOPIA LENTIS WITH ECTOPIA OF PUPIL. Identifiers: Orphanet 1885, MedGen C1644196, MONDO:0009153, OMIM 225200.
Ectopia lentis 2, isolated, autosomal recessive (ECTOL2). Identifiers: Orphanet 1885, MedGen C3541474, MONDO:0009152, OMIM 225100.

Allele frequency attached by ClinVar (database versions not stated): TOPMed 0.00001; ExAC 0.00002; gnomAD exomes 0.00002 and 0.00003; 1000 Genomes Project 30x 0.00016; 1000 Genomes Project 0.00020.
gnomAD v4.1: 47 of 1,614,080 alleles (0.0029%); highest among the groups gnomAD compares: Middle Eastern, 0.017%; no homozygotes.

Submissions (6):

Blueprint Genetics
Classification: Uncertain significance. Last evaluated: 2024-10-14. Review status: criteria provided, single submitter. Criteria: ACMG Guidelines, 2015. Collection method: clinical testing. Allele origin: germline.

Fulgent Genetics
Classification: Uncertain significance for Ectopia lentis 2, isolated, autosomal recessive; Ectopia lentis et pupillae. Last evaluated: 2024-05-02. Review status: criteria provided, single submitter. Criteria: ACMG Guidelines, 2015. Collection method: clinical testing. Allele origin: germline.

Genome-Nilou Lab
Classification: Uncertain significance for Ectopia lentis et pupillae. Last evaluated: 2023-04-11. Review status: criteria provided, single submitter. Criteria: ACMG Guidelines, 2015. Collection method: clinical testing. Allele origin: germline. Affected: no.

Genome-Nilou Lab
Classification: Uncertain significance for Ectopia lentis 2, isolated, autosomal recessive. Last evaluated: 2023-04-11. Review status: criteria provided, single submitter. Criteria: ACMG Guidelines, 2015. Collection method: clinical testing. Allele origin: germline. Affected: no.

Labcorp Genetics (formerly Invitae), Labcorp
Classification: Uncertain significance. Last evaluated: 2022-07-18. Review status: criteria provided, single submitter. Criteria: Invitae Variant Classification Sherloc (09022015). Collection method: clinical testing. Allele origin: germline.
Comment: This sequence change affects codon 488 of the ADAMTSL4 mRNA. It is a 'silent' change, meaning that it does not change the encoded amino acid sequence of the ADAMTSL4 protein. This variant is present in population databases (rs587675749, gnomAD 0.006%). This variant has not been reported in the literature in individuals affected with ADAMTSL4-related conditions. ClinVar contains an entry for this variant (Variation ID: 292533). Algorithms developed to predict the effect of sequence changes on RNA splicing suggest that this variant may disrupt the consensus splice site. In summary, the available evidence is currently insufficient to determine the role of this variant in disease. Therefore, it has been classified as a Variant of Uncertain Significance.

Illumina Laboratory Services, Illumina
Classification: Uncertain significance for Ectopia lentis 2, isolated, autosomal recessive. Last evaluated: 2018-01-12. Review status: criteria provided, single submitter. Criteria: ICSL Variant Classification Criteria 13 December 2019. Collection method: clinical testing. Allele origin: germline.

NM_019032.6(ADAMTSL4):c.1464G>A (p.Ser488=)

Genes: ADAMTSL4 (ADAMTS like 4; plus strand), ADAMTSL4-AS2 (ADAMTSL4 antisense RNA 2; minus strand). Cytogenetic location: 1q21.2.
Variant type: single nucleotide variant.
Coding change: c.1464G>A on transcript NM_019032.6 (MANE Select); coding-DNA position 1464, G replaced by A.
Protein change: p.Ser488=; no amino-acid change (serine 488 retained).
Molecular consequence: synonymous variant.
Genome position (GRCh38, 1-based): chr1:150,556,254, G>A. VCF-style: chr1-150556254-G-A. GRCh37 (hg19) VCF-style: chr1-150528730-G-A.
Other names: c.1533G>A, p.Ser511= (NM_001288607.2, NM_001288608.2); c.1464G>A, p.Ser488= (NM_001378596.1, NM_025008.5).
Identifiers: ClinVar variation 292533 (VCV000292533.10), dbSNP rs587675749, ClinGen allele CA1078278.